The following is an entry in ClinVar:

NM_004281.4(BAG3):c.18C>G (p.His6Gln)

Gene: BAG3 (BAG cochaperone 3; plus strand). Cytogenetic location: 10q26.11.
Variant type: single nucleotide variant.
Coding change: c.18C>G on transcript NM_004281.4 (MANE Select); coding-DNA position 18, C replaced by G.
Protein change: p.His6Gln; replaces histidine 6 with glutamine.
Molecular consequence: missense variant.
Genome position (GRCh38, 1-based): chr10:119,651,693, C>G. VCF-style: chr10-119651693-C-G. GRCh37 (hg19) VCF-style: chr10-121411205-C-G.
Other names: short protein forms H6Q.
Identifiers: ClinVar variation 2925509 (VCV002925509.4), dbSNP rs745806982, ClinGen allele CA5716203.

ClinVar aggregate classification (germline): Uncertain significance. Review status: criteria provided, multiple submitters, no conflicts (2 of 4 stars). 2 submissions from 2 submitters: Uncertain significance (2). Last evaluated 2024-02-21.

Conditions:
Myofibrillar myopathy 6. Identifiers: Orphanet 199340, MedGen C2751831, MONDO:0013061, OMIM 612954.
Dilated cardiomyopathy 1HH (CMD1HH). Identifiers: Orphanet 154, MedGen C3151293, MONDO:0013479, OMIM 613881.

Allele frequency attached by ClinVar (database versions not stated): ExAC 0.00001; gnomAD exomes 0.00002.

Submissions (2):

Revvity Omics, Revvity
Classification: Uncertain significance. Last evaluated: 2024-02-21. Review status: criteria provided, single submitter. Criteria: ACMG Guidelines, 2015. Collection method: clinical testing. Allele origin: germline.

Labcorp Genetics (formerly Invitae), Labcorp
Classification: Uncertain significance for Dilated cardiomyopathy 1HH; Myofibrillar myopathy 6. Last evaluated: 2024-01-19. Review status: criteria provided, single submitter. Criteria: Invitae Variant Classification Sherloc (09022015). Collection method: clinical testing. Allele origin: germline.
Comment: This sequence change replaces histidine, which is basic and polar, with glutamine, which is neutral and polar, at codon 6 of the BAG3 protein (p.His6Gln). This variant is present in population databases (rs745806982, gnomAD 0.004%). This variant has not been reported in the literature in individuals affected with BAG3-related conditions. Algorithms developed to predict the effect of missense changes on protein structure and function output the following: SIFT: "Not Available"; PolyPhen-2: "Benign"; Align-GVGD: "Not Available". The glutamine amino acid residue is found in multiple mammalian species, which suggests that this missense change does not adversely affect protein function. In summary, the available evidence is currently insufficient to determine the role of this variant in disease. Therefore, it has been classified as a Variant of Uncertain Significance.